The following is an entry in ClinVar:

ClinVar aggregate classification (germline): Uncertain significance. Review status: criteria provided, multiple submitters, no conflicts (2 of 4 stars). 2 submissions from 2 submitters: Uncertain significance (2). Last evaluated 2024-04-27.

Conditions:
Dyskeratosis congenita, autosomal dominant 6 (DKCA6). Identifiers: Orphanet 3322, MedGen C4225284, MONDO:0014690, OMIM 616553.
Inborn genetic diseases. Identifiers: MedGen C0950123, MeSH D030342.

Allele frequency attached by ClinVar (database versions not stated): gnomAD exomes below 0.00001; TOPMed below 0.00001.

Submissions (2):

Ambry Genetics
Classification: Uncertain significance for Inborn genetic diseases. Last evaluated: 2024-04-27. Review status: criteria provided, single submitter. Criteria: Ambry Variant Classification Scheme 2023. Collection method: clinical testing. Allele origin: germline.
Comment: The p.F531L variant (also known as c.1591T>C), located in coding exon 12 of the ACD gene, results from a T to C substitution at nucleotide position 1591. The phenylalanine at codon 531 is replaced by leucine, an amino acid with highly similar properties. This amino acid position is conserved. In addition, this alteration is predicted to be tolerated by in silico analysis. Since supporting evidence is limited at this time, the clinical significance of this alteration remains unclear.

Labcorp Genetics (formerly Invitae), Labcorp
Classification: Uncertain significance for Dyskeratosis congenita, autosomal dominant 6. Last evaluated: 2024-04-10. Review status: criteria provided, single submitter. Criteria: Invitae Variant Classification Sherloc (09022015). Collection method: clinical testing. Allele origin: germline.
Comment: This sequence change replaces phenylalanine, which is neutral and non-polar, with leucine, which is neutral and non-polar, at codon 531 of the ACD protein (p.Phe531Leu). This variant is not present in population databases (gnomAD no frequency). This variant has not been reported in the literature in individuals affected with ACD-related conditions. ClinVar contains an entry for this variant (Variation ID: 1775935). Advanced modeling of protein sequence and biophysical properties (such as structural, functional, and spatial information, amino acid conservation, physicochemical variation, residue mobility, and thermodynamic stability) performed at Invitae indicates that this missense variant is not expected to disrupt ACD protein function with a negative predictive value of 80%. In summary, the available evidence is currently insufficient to determine the role of this variant in disease. Therefore, it has been classified as a Variant of Uncertain Significance.

NM_001082486.2(ACD):c.1333T>C (p.Phe445Leu)

Gene: ACD (ACD shelterin complex subunit and telomerase recruitment factor; minus strand). Cytogenetic location: 16q22.1.
Variant type: single nucleotide variant.
Coding change: c.1333T>C on transcript NM_001082486.2 (MANE Select); coding-DNA position 1333, T replaced by C.
Protein change: p.Phe445Leu; replaces phenylalanine 445 with leucine.
Molecular consequence: missense variant.
Genome position (GRCh38, 1-based): chr16:67,657,650, A>G on the plus strand (T>C on the coding strand, the complement: ACD is on the minus strand). VCF-style: chr16-67657650-A-G. GRCh37 (hg19) VCF-style: chr16-67691553-A-G.
Other names: c.1246T>C, p.Phe416Leu (NM_001410884.1); c.1324T>C, p.Phe442Leu (NM_022914.3); short protein forms F445L, F416L, F442L.
Identifiers: ClinVar variation 1775935 (VCV001775935.8), dbSNP rs1388068695, ClinGen allele CA396349639.
Genomic context (GRCh38, chr16:67,657,650, plus strand): 5'-TGTCCTGCGTGACGTCTCACATCGGAGTTGGCTCAGACCCTGGCTGTGCATCCATCAGAA[A>G]GTGCAAGGCCCAGGCCATGAGCTGGGGAGGAAGCCTGGAAAGAAACCACCGCTGCAGGTC-3'
Protein context (NP_001075955.2, residues 435-455): PPQLMAWALH[Phe445Leu]LMDAQPGSEP